The following is an entry in ClinVar:

ClinVar aggregate classification (germline): Uncertain significance (1 of 4 stars; one submission).

Allele frequency attached by ClinVar (database versions not stated): gnomAD exomes below 0.00001; ExAC 0.00002.
gnomAD v4.1: 1 of 1,613,114 alleles (0.000062%); highest among the groups gnomAD compares: East Asian, 0.0022%; no homozygotes.

Submission:

Labcorp Genetics (formerly Invitae), Labcorp
Classification: Uncertain significance. Last evaluated: 2023-02-05. Review status: criteria provided, single submitter. Criteria: Invitae Variant Classification Sherloc (09022015). Collection method: clinical testing. Allele origin: germline.
Comment: In summary, the available evidence is currently insufficient to determine the role of this variant in disease. Therefore, it has been classified as a Variant of Uncertain Significance. Algorithms developed to predict the effect of sequence changes on RNA splicing suggest that this variant may disrupt the consensus splice site. This variant has not been reported in the literature in individuals affected with HERC1-related conditions. This variant is present in population databases (rs772019706, gnomAD 0.006%). This sequence change affects codon 4809 of the HERC1 mRNA. It is a 'silent' change, meaning that it does not change the encoded amino acid sequence of the HERC1 protein.

NM_003922.4(HERC1):c.14427G>A (p.Gln4809=)

Gene: HERC1 (HECT and RLD domain containing E3 ubiquitin protein ligase family member 1; minus strand). Cytogenetic location: 15q22.31.
Variant type: single nucleotide variant.
Coding change: c.14427G>A on transcript NM_003922.4 (MANE Select); coding-DNA position 14427, G replaced by A.
Protein change: p.Gln4809=; no amino-acid change (glutamine 4809 retained).
Molecular consequence: synonymous variant.
Genome position (GRCh38, 1-based): chr15:63,609,240, C>T on the plus strand (G>A on the coding strand, the complement: HERC1 is on the minus strand). VCF-style: chr15-63609240-C-T. GRCh37 (hg19) VCF-style: chr15-63901439-C-T.
Identifiers: ClinVar variation 2800903 (VCV002800903.3), dbSNP rs772019706, ClinGen allele CA7603483.